The following is an entry in ClinVar:

ClinVar aggregate classification (germline): Uncertain significance. Review status: criteria provided, multiple submitters, no conflicts (2 of 4 stars). 7 submissions from 3 submitters: Uncertain significance (7). Last evaluated 2026-02-02.

Conditions:
Hereditary cryohydrocytosis with reduced stomatin. Also called: Stomatin-deficient cryohydrocytosis with neurologic defects; GLUT1 DEFICIENCY SYNDROME WITH PSEUDOHYPERKALEMIA AND HEMOLYSIS. Identifiers: Orphanet 168577, MedGen C1837206, MONDO:0012143, OMIM 608885.
Epilepsy, idiopathic generalized, susceptibility to, 12 (EIG12). Identifiers: MedGen C3553859, MONDO:0013919, OMIM 614847.
Dystonia 9 (DYT9). Also called: CHOREOATHETOSIS, KINESIGENIC, WITH EPISODIC ATAXIA AND SPASTICITY. Identifiers: Orphanet 53583, MedGen C1832855, MONDO:0010983, OMIM 601042.
GLUT1 deficiency syndrome 1, autosomal recessive. Identifiers: MedGen C3149117.
Childhood onset GLUT1 deficiency syndrome 2. Also called: PxMD-SLC2A1; PAROXYSMAL EXERCISE-INDUCED DYSKINESIA WITH OR WITHOUT EPILEPSY AND/OR HEMOLYTIC ANEMIA; PAROXYSMAL EXERTION-INDUCED DYSTONIA WITH OR WITHOUT EPILEPSY AND/OR HEMOLYTIC ANEMIA; PED WITH OR WITHOUT EPILEPSY AND/OR HEMOLYTIC ANEMIA; Paroxysmal exercise-induced dystonia; GLUT1 deficiency syndrome 2. Identifiers: Orphanet 98811, MedGen C1842534, MONDO:0012805, OMIM 612126.
Encephalopathy due to GLUT1 deficiency. Also called: GLUT1 deficiency syndrome 1, infantile onset, severe; GLUCOSE TRANSPORT DEFECT, BLOOD-BRAIN BARRIER; Glucose transporter protein syndrome; GLUT1 deficiency syndrome 1; Classic Glucose Transporter Type 1 Deficiency Syndrome; De Vivo disease. Identifiers: Orphanet 71277, MedGen C4551966, MONDO:0011724, OMIM 606777.

Allele frequency attached by ClinVar (database versions not stated): gnomAD exomes 0.00001; gnomAD 0.00002; TOPMed 0.00003.

Submissions (7):

Labcorp Genetics (formerly Invitae), Labcorp
Classification: Uncertain significance for GLUT1 deficiency syndrome 1, autosomal recessive. Last evaluated: 2026-02-02. Review status: criteria provided, single submitter. Criteria: Invitae Variant Classification Sherloc (09022015). Collection method: clinical testing. Allele origin: germline.
Comment: This sequence change replaces valine, which is neutral and non-polar, with isoleucine, which is neutral and non-polar, at codon 316 of the SLC2A1 protein (p.Val316Ile). This variant is not present in population databases (gnomAD no frequency). This variant has not been reported in the literature in individuals affected with SLC2A1-related conditions. ClinVar contains an entry for this variant (Variation ID: 493036). Invitae Evidence Modeling incorporating data from in vitro experimental studies (internal data) did not meet the statistical confidence thresholds required to predict the impact of this variant on SLC2A1 function. In summary, the available evidence is currently insufficient to determine the role of this variant in disease. Therefore, it has been classified as a Variant of Uncertain Significance.

Genome-Nilou Lab
Classification: Uncertain significance for Epilepsy, idiopathic generalized, susceptibility to, 12. Last evaluated: 2023-04-11. Review status: criteria provided, single submitter. Criteria: ACMG Guidelines, 2015. Collection method: clinical testing. Allele origin: germline. Affected: no.

Genome-Nilou Lab
Classification: Uncertain significance for Dystonia 9. Last evaluated: 2023-04-11. Review status: criteria provided, single submitter. Criteria: ACMG Guidelines, 2015. Collection method: clinical testing. Allele origin: germline. Affected: no.

Genome-Nilou Lab
Classification: Uncertain significance for Encephalopathy due to GLUT1 deficiency. Last evaluated: 2023-04-11. Review status: criteria provided, single submitter. Criteria: ACMG Guidelines, 2015. Collection method: clinical testing. Allele origin: germline. Affected: no.

Genome-Nilou Lab
Classification: Uncertain significance for Childhood onset GLUT1 deficiency syndrome 2. Last evaluated: 2023-04-11. Review status: criteria provided, single submitter. Criteria: ACMG Guidelines, 2015. Collection method: clinical testing. Allele origin: germline. Affected: no.

Genome-Nilou Lab
Classification: Uncertain significance for Hereditary cryohydrocytosis with reduced stomatin. Last evaluated: 2023-04-11. Review status: criteria provided, single submitter. Criteria: ACMG Guidelines, 2015. Collection method: clinical testing. Allele origin: germline. Affected: no.

CeGaT Center for Human Genetics Tuebingen
Classification: Uncertain significance. Last evaluated: 2017-09-01. Review status: criteria provided, single submitter. Criteria: CeGaT Center For Human Genetics Tuebingen Variant Classification Criteria Version 2. Collection method: clinical testing. Allele origin: germline. Affected: yes. Observed: 1 variant allele.

NM_006516.4(SLC2A1):c.946G>A (p.Val316Ile)

Gene: SLC2A1 (solute carrier family 2 member 1; minus strand). Cytogenetic location: 1p34.2.
Variant type: single nucleotide variant.
Coding change: c.946G>A on transcript NM_006516.4 (MANE Select); coding-DNA position 946, G replaced by A.
Protein change: p.Val316Ile; replaces valine 316 with isoleucine.
Molecular consequence: missense variant.
Genome position (GRCh38, 1-based): chr1:42,929,236, C>T on the plus strand (G>A on the coding strand, the complement: SLC2A1 is on the minus strand). VCF-style: chr1-42929236-C-T. GRCh37 (hg19) VCF-style: chr1-43394907-C-T.
Other names: short protein forms V316I.
Identifiers: ClinVar variation 493036 (VCV000493036.50), dbSNP rs920394412, ClinGen allele CA21250594.